The following is an entry in ClinVar:

NM_001353694.2(TIAM1):c.1646C>T (p.Ala549Val)

Gene: TIAM1 (TIAM Rac1 associated GEF 1; minus strand). Cytogenetic location: 21q22.11.
Variant type: single nucleotide variant.
Coding change: c.1646C>T on transcript NM_001353694.2 (MANE Select); coding-DNA position 1646, C replaced by T.
Protein change: p.Ala549Val; replaces alanine 549 with valine.
Molecular consequence: missense variant.
Genome position (GRCh38, 1-based): chr21:31,225,889, G>A on the plus strand (C>T on the coding strand, the complement: TIAM1 is on the minus strand). VCF-style: chr21-31225889-G-A. GRCh37 (hg19) VCF-style: chr21-32598205-G-A.
Other names: c.1646C>T, p.Ala549Val (NM_001353686.2, NM_001353687.2, NM_001353688.1 and 6 more transcripts); short protein forms A549V.
Identifiers: ClinVar variation 2213306 (VCV002213306.4), dbSNP rs750656685, ClinGen allele CA9998382.
Genomic context (GRCh38, chr21:31,225,889, plus strand): 5'-TTTTTGATCTCTGATTTCAGGAGTCGGAGCGTGTCTTCCTTGTGGTGGTGCCTCGCGACC[G>A]CAGTGGCGCAGGCAGAGTGGATGGCGGTGATCCAGTTTTCAAGCTCCGTCTGGCTAGTGG-3'
Protein context (NP_001340623.1, residues 539-559): ITAIHSACAT[Ala549Val]VARHHHKEDT

ClinVar aggregate classification (germline): Uncertain significance. Review status: criteria provided, multiple submitters, no conflicts (2 of 4 stars). 2 submissions from 2 submitters: Uncertain significance (2). Last evaluated 2025-10-14.

Allele frequency attached by ClinVar (database versions not stated): ExAC 0.00001; gnomAD 0.00001; TOPMed 0.00006; gnomAD exomes 0.00001.
gnomAD v4.1: 18 of 1,613,990 alleles (0.0011%); highest among the groups gnomAD compares: African/African-American, 0.004%; no homozygotes.

Submissions (2):

Ambry Genetics
Classification: Uncertain significance. Last evaluated: 2025-10-14. Review status: criteria provided, single submitter. Criteria: Ambry Variant Classification Scheme 2023. Collection method: clinical testing. Allele origin: germline.

GeneDx
Classification: Uncertain significance. Last evaluated: 2024-06-26. Review status: criteria provided, single submitter. Criteria: GeneDx Variant Classification Process June 2021. Collection method: clinical testing. Allele origin: germline. Affected: yes.
Comment: In silico analysis supports that this missense variant has a deleterious effect on protein structure/function; Has not been previously published as pathogenic or benign to our knowledge